The following is an entry in ClinVar:

ClinVar aggregate classification (germline): Likely benign. Review status: criteria provided, multiple submitters, no conflicts (2 of 4 stars). 2 submissions from 2 submitters: Likely benign (2). Last evaluated 2025-12-30.

Conditions:
Muscular dystrophy-dystroglycanopathy (congenital with brain and eye anomalies), type A2. Also called: MUSCULAR DYSTROPHY-DYSTROGLYCANOPATHY (CONGENITAL WITH BRAIN AND EYE ANOMALIES), TYPE A, 2; WALKER-WARBURG SYNDROME OR MUSCLE-EYE-BRAIN DISEASE, POMT2-RELATED. Identifiers: Orphanet 588, Orphanet 899, MedGen C3150411, MONDO:0013154, OMIM 613150.
Muscular dystrophy-dystroglycanopathy (congenital with impaired intellectual development), type B, 2. Also called: Muscular dystrophy-dystroglycanopathy (congenital with intellectual disability), type B2; MUSCULAR DYSTROPHY, CONGENITAL, POMT2-RELATED. Identifiers: MedGen C3150416, MONDO:0013160, OMIM 613156.
Autosomal recessive limb-girdle muscular dystrophy type 2N. Also called: Muscular dystrophy-dystroglycanopathy (limb-girdle), type C, 2; MUSCULAR DYSTROPHY-DYSTROGLYCANOPATHY, LIMB-GIRDLE, POMT2-RELATED. Identifiers: Orphanet 206559, MedGen C3150418, MONDO:0013162, OMIM 613158.

Allele frequency attached by ClinVar (database versions not stated): gnomAD 0.00038 and 0.00036; 1000 Genomes Project 30x 0.00078; TOPMed 0.00035; ESP Exome Variant Server 0.00031; 1000 Genomes Project 0.00060.
gnomAD v4.1: 96 of 1,581,640 alleles (0.0061%); highest among the groups gnomAD compares: African/African-American, 0.11%; no homozygotes.

Submissions (3):

Labcorp Genetics (formerly Invitae), Labcorp
Classification: Likely benign for Muscular dystrophy-dystroglycanopathy (congenital with impaired intellectual development), type B, 2; Muscular dystrophy-dystroglycanopathy (congenital with brain and eye anomalies), type A2; Autosomal recessive limb-girdle muscular dystrophy type 2N. Last evaluated: 2025-12-30. Review status: criteria provided, single submitter. Criteria: Invitae Variant Classification Sherloc (09022015). Collection method: clinical testing. Allele origin: germline.

GeneDx
Classification: Likely benign. Last evaluated: 2018-01-04. Review status: criteria provided, single submitter. Criteria: GeneDx Variant Classification (06012015). Collection method: clinical testing. Allele origin: germline. Affected: yes.
Comment: This variant is considered likely benign or benign based on one or more of the following criteria: it is a conservative change, it occurs at a poorly conserved position in the protein, it is predicted to be benign by multiple in silico algorithms, and/or has population frequency not consistent with disease.

Dr. Peter K. Rogan Lab, Western University
No classification provided (evidence only). Condition: Familial cancer of breast. Review status: no classification provided. Collection method: in vitro. Allele origin: not applicable. Functional consequence: retained intron. Not counted in ClinVar's aggregate classification.

NM_013382.7(POMT2):c.2148-17C>G

Gene: POMT2 (protein O-mannosyltransferase 2; minus strand). Cytogenetic location: 14q24.3.
Variant type: single nucleotide variant.
Coding change: c.2148-17C>G on transcript NM_013382.7 (MANE Select); 17 bases into the intron before coding-DNA position 2148, C replaced by G.
Molecular consequence: intron variant.
Genome position (GRCh38, 1-based): chr14:77,277,498, G>C on the plus strand (C>G on the coding strand, the complement: POMT2 is on the minus strand). VCF-style: chr14-77277498-G-C. GRCh37 (hg19) VCF-style: chr14-77743841-G-C.
Identifiers: ClinVar variation 514511 (VCV000514511.13), dbSNP rs201328470, ClinGen allele CA7285528.